The following is an entry in ClinVar:

ClinVar aggregate classification (germline): Pathogenic. Review status: criteria provided, multiple submitters, no conflicts (2 of 4 stars). 2 submissions from 2 submitters: Pathogenic (2). Last evaluated 2025-10-01.

Conditions:
Dilated cardiomyopathy 1O (CMD1O). Also called: CARDIOMYOPATHY, DILATED, WITH VENTRICULAR TACHYCARDIA. Identifiers: Orphanet 154, MedGen C1837839, MONDO:0012062, OMIM 608569.

Allele frequency attached by ClinVar (database versions not stated): gnomAD exomes below 0.00001.

Submissions (2):

CeGaT Center for Human Genetics Tuebingen
Classification: Pathogenic. Last evaluated: 2025-10-01. Review status: criteria provided, single submitter. Criteria: CeGaT Center For Human Genetics Tuebingen Variant Classification Criteria Version 2. Collection method: clinical testing. Allele origin: germline. Affected: yes. Observed: 1 variant allele.
Comment: ABCC9: PVS1, PM2

Labcorp Genetics (formerly Invitae), Labcorp
Classification: Pathogenic for Dilated cardiomyopathy 1O. Last evaluated: 2024-10-01. Review status: criteria provided, single submitter. Criteria: Invitae Variant Classification Sherloc (09022015). Collection method: clinical testing. Allele origin: germline.
Comment: This sequence change creates a premature translational stop signal (p.Leu360*) in the ABCC9 gene. It is expected to result in an absent or disrupted protein product. Loss-of-function variants in ABCC9 are known to be pathogenic (PMID: 31575858, 38217872). This variant is not present in population databases (gnomAD no frequency). This variant has not been reported in the literature in individuals affected with ABCC9-related conditions. ClinVar contains an entry for this variant (Variation ID: 1486684). For these reasons, this variant has been classified as Pathogenic.

Literature cited by the submitters: PubMed 31575858 (cited by Labcorp Genetics (formerly Invitae), Labcorp); PubMed 38217872 (cited by Labcorp Genetics (formerly Invitae), Labcorp).

NM_020297.4(ABCC9):c.1057_1073dup (p.Phe359_Leu360insTerPhe)

Gene: ABCC9 (ATP binding cassette subfamily C member 9; minus strand). Cytogenetic location: 12p12.1.
Variant type: Duplication.
Coding change: c.1057_1073dup on transcript NM_020297.4 (MANE Select); coding-DNA positions 1057 to 1073, 17 bases duplicated (GTTCTAGCAGTTCTTCT).
Protein change: p.Phe359_Leu360insTerPhe.
Molecular consequence: nonsense, inframe insertion.
Genome position (GRCh38, 1-based): chr12:21,910,917-21,910,933, AGAAGAACTGCTAGAAC duplicated on the plus strand (GTTCTAGCAGTTCTTCT on the coding strand, the reverse complement: ABCC9 is on the minus strand). VCF-style (leftmost placement, unchanged base first): chr12-21910916-G-GAGAAGAACTGCTAGAAC. GRCh37 (hg19) VCF-style: chr12-22063850-G-GAGAAGAACTGCTAGAAC.
Other names: c.1057_1073dup, p.Phe359_Leu360insTerPhe (NM_001377273.1, NM_005691.4); c.193_209dup, p.Phe71_Leu72insTerPhe (NM_001377274.1).
Identifiers: ClinVar variation 1486684 (VCV001486684.12), dbSNP rs2137875677, ClinGen allele CA2573148467.